The following is an entry in ClinVar:

ClinVar aggregate classification (germline): Likely benign (1 of 4 stars; one submission).

Allele frequency attached by ClinVar (database versions not stated): TOPMed 0.00014; gnomAD 0.00016; ExAC 0.00021; ESP Exome Variant Server 0.00039.
gnomAD v4.1: 436 of 1,551,080 alleles (0.028%); highest among the groups gnomAD compares: Non-Finnish European, 0.032%; 1 homozygote.

Submission:

CeGaT Center for Human Genetics Tuebingen
Classification: Likely benign. Last evaluated: 2022-10-01. Review status: criteria provided, single submitter. Criteria: CeGaT Center For Human Genetics Tuebingen Variant Classification Criteria Version 2. Collection method: clinical testing. Allele origin: germline. Affected: yes. Observed: 1 variant allele.
Comment: ADPRHL1: BP4, BP7

NM_001394807.1(ADPRHL1):c.387G>T (p.Gly129=)

Gene: ADPRHL1 (ADP-ribosylhydrolase like 1; minus strand). Cytogenetic location: 13q34.
Variant type: single nucleotide variant.
Coding change: c.387G>T on transcript NM_001394807.1 (MANE Select); coding-DNA position 387, G replaced by T.
Protein change: p.Gly129=; no amino-acid change (glycine 129 retained).
Molecular consequence: synonymous variant.
Genome position (GRCh38, 1-based): chr13:113,433,860, C>A on the plus strand (G>T on the coding strand, the complement: ADPRHL1 is on the minus strand). VCF-style: chr13-113433860-C-A. GRCh37 (hg19) VCF-style: chr13-114088175-C-A.
Other names: c.387G>T, p.Gly129= (NM_138430.5); c.141G>T, p.Gly47= (NM_199162.3).
Identifiers: ClinVar variation 2644008 (VCV002644008.24), dbSNP rs142667173, ClinGen allele CA7063742.